The following is an entry in ClinVar:

ClinVar aggregate classification (germline): Uncertain significance (1 of 4 stars; one submission).

Submission:

Labcorp Genetics (formerly Invitae), Labcorp
Classification: Uncertain significance. Last evaluated: 2022-06-26. Review status: criteria provided, single submitter. Criteria: Invitae Variant Classification Sherloc (09022015). Collection method: clinical testing. Allele origin: germline.
Comment: This sequence change creates a premature translational stop signal (p.Ala353Argfs*110) in the FOXC2 gene. While this is not anticipated to result in nonsense mediated decay, it is expected to disrupt the last 149 amino acid(s) of the FOXC2 protein. This variant is not present in population databases (gnomAD no frequency). This premature translational stop signal has been observed in individual(s) with lymphedema-distichiasis syndrome (Invitae). Experimental studies and prediction algorithms are not available or were not evaluated, and the functional significance of this variant is currently unknown. In summary, the available evidence is currently insufficient to determine the role of this variant in disease. Therefore, it has been classified as a Variant of Uncertain Significance.

NM_005251.3(FOXC2):c.1056dup (p.Ala353fs)

Gene: FOXC2 (forkhead box C2; plus strand). Cytogenetic location: 16q24.1.
Variant type: Duplication.
Coding change: c.1056dup on transcript NM_005251.3 (MANE Select); coding-DNA position 1056, one base duplicated (C; older notation c.1056dupC).
Protein change: p.Ala353fs; shifts the reading frame from alanine 353.
Molecular consequence: frameshift variant.
Genome position (GRCh38, 1-based): chr16:86,568,391, C duplicated; the last of 3 consecutive C bases (chr16:86,568,389-86,568,391); duplicating any one gives the same sequence. VCF-style (leftmost placement, unchanged base first): chr16-86568388-G-GC. GRCh37 (hg19) VCF-style: chr16-86601994-G-GC.
Other names: short protein forms A353fs.
Identifiers: ClinVar variation 2006267 (VCV002006267.4), dbSNP rs2507945972, ClinGen allele CA2580092193.